The following is an entry in ClinVar:

ClinVar aggregate classification (germline): Uncertain significance. Review status: criteria provided, multiple submitters, no conflicts (2 of 4 stars). 2 submissions from 2 submitters: Uncertain significance (2). Last evaluated 2026-01-24.

Conditions:
Inborn genetic diseases. Identifiers: MedGen C0950123, MeSH D030342.

Allele frequency attached by ClinVar (database versions not stated): gnomAD exomes below 0.00001.

Submissions (2):

Labcorp Genetics (formerly Invitae), Labcorp
Classification: Uncertain significance. Last evaluated: 2026-01-24. Review status: criteria provided, single submitter. Criteria: Invitae Variant Classification Sherloc (09022015). Collection method: clinical testing. Allele origin: germline.
Comment: This sequence change replaces glycine, which is neutral and non-polar, with alanine, which is neutral and non-polar, at codon 82 of the KDM1A protein (p.Gly82Ala). This variant is not present in population databases (gnomAD no frequency). This variant has not been reported in the literature in individuals affected with KDM1A-related conditions. ClinVar contains an entry for this variant (Variation ID: 2783268). An algorithm developed to predict the effect of missense changes on protein structure and function (PolyPhen-2) suggests that this variant is likely to be tolerated. In summary, the available evidence is currently insufficient to determine the role of this variant in disease. Therefore, it has been classified as a Variant of Uncertain Significance.

Ambry Genetics
Classification: Uncertain significance for Inborn genetic diseases. Last evaluated: 2024-12-29. Review status: criteria provided, single submitter. Criteria: Ambry Variant Classification Scheme 2023. Collection method: clinical testing. Allele origin: germline.

NM_001009999.3(KDM1A):c.245G>C (p.Gly82Ala)

Gene: KDM1A (lysine demethylase 1A; plus strand). Cytogenetic location: 1p36.12.
Variant type: single nucleotide variant.
Coding change: c.245G>C on transcript NM_001009999.3 (MANE Select); coding-DNA position 245, G replaced by C.
Protein change: p.Gly82Ala; replaces glycine 82 with alanine.
Molecular consequence: missense variant.
Genome position (GRCh38, 1-based): chr1:23,019,841, G>C. VCF-style: chr1-23019841-G-C. GRCh37 (hg19) VCF-style: chr1-23346334-G-C.
Other names: c.245G>C (NM_001009999.2); c.245G>C, p.Gly82Ala (NM_001363654.2, NM_001410762.1, NM_001410763.1 and 1 more transcripts); short protein forms G82A.
Identifiers: ClinVar variation 2783268 (VCV002783268.5), dbSNP rs376070008, ClinGen allele CA19198897.